The following is an entry in ClinVar:

ClinVar aggregate classification (germline): Uncertain significance. Review status: criteria provided, multiple submitters, no conflicts (2 of 4 stars). 2 submissions from 2 submitters: Uncertain significance (2). Last evaluated 2023-06-23.

Conditions:
Catecholaminergic polymorphic ventricular tachycardia 1. Also called: VENTRICULAR TACHYCARDIA, CATECHOLAMINERGIC POLYMORPHIC, 1, WITH OR WITHOUT ATRIAL DYSFUNCTION AND/OR DILATED CARDIOMYOPATHY; VENTRICULAR TACHYCARDIA, STRESS-INDUCED POLYMORPHIC 1; RYR2-Related Catecholaminergic Polymorphic Ventricular Tachycardia. Identifiers: Orphanet 3286, MedGen C1631597, MONDO:0011484, OMIM 604772.
Cardiovascular phenotype. Identifiers: MedGen CN230736.

Submissions (2):

Ambry Genetics
Classification: Uncertain significance for Cardiovascular phenotype. Last evaluated: 2023-06-23. Review status: criteria provided, single submitter. Criteria: Ambry Variant Classification Scheme 2023. Collection method: clinical testing. Allele origin: germline.
Comment: The c.340_342delATC variant (also known as p.I114del) is located in coding exon 3 of the TRDN gene. This variant results from an in-frame ATC deletion at nucleotide positions 340 to 342. This results in the in-frame deletion of an isoleucine at codon 114. This amino acid position is well conserved in available vertebrate species. In addition, the in silico prediction for this alteration is inconclusive (Choi Y et al. PLoS ONE. 2012; 7(10):e46688). Since supporting evidence is limited at this time, the clinical significance of this alteration remains unclear.

Labcorp Genetics (formerly Invitae), Labcorp
Classification: Uncertain significance for Catecholaminergic polymorphic ventricular tachycardia 1. Last evaluated: 2019-12-19. Review status: criteria provided, single submitter. Criteria: Invitae Variant Classification Sherloc (09022015). Collection method: clinical testing. Allele origin: germline.
Comment: In summary, the available evidence is currently insufficient to determine the role of this variant in disease. Therefore, it has been classified as a Variant of Uncertain Significance. Experimental studies and prediction algorithms are not available or were not evaluated, and the functional significance of this variant is currently unknown. This variant has not been reported in the literature in individuals with TRDN-related conditions. This variant is not present in population databases (ExAC no frequency). This variant, c.340_342del, results in the deletion of 1 amino acid(s) of the TRDN protein (p.Ile114del), but otherwise preserves the integrity of the reading frame.

NM_006073.4(TRDN):c.337ATC[1] (p.Ile114del)

Gene: TRDN (triadin; minus strand). Cytogenetic location: 6q22.31.
Variant type: Microsatellite.
Coding change: c.337ATC[1] on transcript NM_006073.4 (MANE Select); one copy of the 3-base unit ATC starting at c.337; the reference has two copies in a row; one copy, 3 bases deleted.
Protein change: p.Ile114del; deletes isoleucine 114.
Molecular consequence: inframe deletion.
Genome position (GRCh38, 1-based): chr6:123,548,503-123,548,505, GAT deleted on the plus strand (ATC on the coding strand, the reverse complement: TRDN is on the minus strand); deleting any 3 consecutive bases within chr6:123,548,503-123,548,509 gives the same sequence; the position shown is the placement nearest the transcript's 3' end. VCF-style (leftmost placement, unchanged base first): chr6-123548502-AGAT-A. GRCh37 (hg19) VCF-style: chr6-123869647-AGAT-A.
Other names: c.337ATC[1], p.Ile114del (NM_001251987.2, NM_001256020.2, NM_001256021.2 and 1 more transcripts); c.340_342delATC (NM_006073.2); short protein forms I114del.
Identifiers: ClinVar variation 855014 (VCV000855014.49), dbSNP rs1781228259, ClinGen allele CA916082895.
Genomic context (GRCh38, chr6:123,548,502, plus strand): 5'-TGTTCTTTGTACCTTTATCAGTATCTTCGTCACCATCATCATCTTCTTCATCTTCAGATG[AGAT>A]GATGTCAGATAACAAAGAAAAGAAGCCATAGATCCAGTCCGTGGTTTCCTCCATAGCATC-3'